The following is an entry in ClinVar:

ClinVar aggregate classification (germline): Pathogenic (1 of 4 stars; one submission).

Submission:

Department of Neurology, Zibo Changguo Hospital
Classification: Pathogenic. Last evaluated: 2025-01-11. Review status: criteria provided, single submitter. Criteria: ACMG/ClinGen CNV Guidelines, 2019. Collection method: clinical testing. Allele origin: de novo.
Comment: The variant has been identified as de novo in at least one individual. The ClinGen database has established that the pathogenic mechanism associated with the deletion of this region is related to haploinsufficiency. This deletion region is implicated in Prader-Willi syndrome [OMIM: 176270] and Angelman syndrome [OMIM: 105830]. Cases with this deletion have been reported in the Decipher database, with the primary clinical manifestations of the reported patients including abnormal electroencephalogram, global developmental delay, language impairment, seizures, and intellectual disability (Patient IDs: 292592, 356346, 288738). The deletion region involves OMIM genes such as HERC2, UBE3A, GABRA5, GABRB3, MAGEL2, and NDN.

GRCh37/hg19 15q11.2-13.1(chr15:22740000-28520000)x1

Genes: ATP10A (ATPase phospholipid transporting 10A (putative); minus strand), CYFIP1 (cytoplasmic FMR1 interacting protein 1; minus strand), GABRA5 (gamma-aminobutyric acid type A receptor subunit alpha5; plus strand), GABRB3 (gamma-aminobutyric acid type A receptor subunit beta3; minus strand), GABRG3 (gamma-aminobutyric acid type A receptor subunit gamma3; plus strand) and 24 more. Cytogenetic location: 15q11.2-13.1.
Variant type: copy number loss.
Change: copy number 1 (one copy instead of two) of chr15:22,740,000-28,520,000 (5.78 Mb, GRCh37 coordinates, 1-based), cytogenetic band 15q11.2-13.1.
Identifiers: ClinVar variation 3770229 (VCV003770229.1).